The following is an entry in ClinVar:

ClinVar aggregate classification (germline): Uncertain significance. Review status: criteria provided, multiple submitters, no conflicts (2 of 4 stars). 3 submissions from 3 submitters: Uncertain significance (2). 1 of the submissions does not count toward it. Last evaluated 2025-10-06.

Conditions:
Dyskeratosis congenita. Identifiers: Orphanet 1775, MedGen C0265965, MONDO:0015780.
Dyskeratosis congenita, autosomal recessive 5 (DKCB5). Identifiers: MedGen C3554656, MONDO:0014076, OMIM 615190.
Pulmonary fibrosis and/or bone marrow failure, Telomere-related, 3. Also called: PULMONARY FIBROSIS AND/OR BONE MARROW FAILURE SYNDROME, TELOMERE-RELATED, 3. Identifiers: Orphanet 2032, MedGen C4225346, MONDO:0014613, OMIM 616373.

Allele frequency attached by ClinVar (database versions not stated): gnomAD 0.00004; gnomAD exomes 0.00004; TOPMed 0.00005; ExAC 0.00007; ESP Exome Variant Server 0.00008; 1000 Genomes Project 30x 0.00016; 1000 Genomes Project 0.00020.
gnomAD v4.1: 32 of 1,613,908 alleles (0.002%); highest among the groups gnomAD compares: Admixed American, 0.0033%; no homozygotes.

Submissions (3):

Labcorp Genetics (formerly Invitae), Labcorp
Classification: Uncertain significance for Dyskeratosis congenita, autosomal recessive 5; Pulmonary fibrosis and/or bone marrow failure, Telomere-related, 3. Last evaluated: 2025-10-06. Review status: criteria provided, single submitter. Criteria: Invitae Variant Classification Sherloc (09022015). Collection method: clinical testing. Allele origin: germline.
Comment: This sequence change replaces glutamic acid, which is acidic and polar, with lysine, which is basic and polar, at codon 74 of the RTEL1 protein (p.Glu74Lys). The frequency data for this variant in the population databases is considered unreliable, as metrics indicate poor data quality at this position in the gnomAD database. This variant has not been reported in the literature in individuals affected with RTEL1-related conditions. ClinVar contains an entry for this variant (Variation ID: 1026552). An algorithm developed to predict the effect of missense changes on protein structure and function (PolyPhen-2) suggests that this variant is likely to be tolerated. In summary, the available evidence is currently insufficient to determine the role of this variant in disease. Therefore, it has been classified as a Variant of Uncertain Significance.

Blueprint Genetics
Classification: Uncertain significance. Last evaluated: 2021-10-06. Review status: criteria provided, single submitter. Criteria: ACMG Guidelines, 2015. Collection method: clinical testing. Allele origin: germline.

Natera, Inc.
Classification: Uncertain significance for Dyskeratosis congenita. Last evaluated: 2021-03-04. Review status: no assertion criteria provided. Collection method: clinical testing. Allele origin: germline. Not counted in ClinVar's aggregate classification.

NM_001283009.2(RTEL1):c.220G>A (p.Glu74Lys)

Genes: RTEL1 (regulator of telomere elongation helicase 1; plus strand), RTEL1-TNFRSF6B (RTEL1-TNFRSF6B readthrough (NMD candidate); plus strand). Cytogenetic location: 20q13.33.
Variant type: single nucleotide variant.
Coding change: c.220G>A on transcript NM_001283009.2 (MANE Select); coding-DNA position 220, G replaced by A.
Protein change: p.Glu74Lys; replaces glutamic acid 74 with lysine.
Molecular consequence: missense variant. On other transcripts: non-coding transcript variant (1), 5 prime UTR variant (1).
Genome position (GRCh38, 1-based): chr20:63,661,415, G>A. VCF-style: chr20-63661415-G-A. GRCh37 (hg19) VCF-style: chr20-62292768-G-A.
Other names: c.-450G>A (NM_001283010.1); c.220G>A, p.Glu74Lys (NM_016434.4, NM_032957.5); short protein forms E74K.
Identifiers: ClinVar variation 1026552 (VCV001026552.10), dbSNP rs140042227, ClinGen allele CA9964145.